The following is an entry in ClinVar:

ClinVar aggregate classification (germline): Conflicting classifications of pathogenicity. Review status: criteria provided, conflicting classifications (1 of 4 stars). 2 submissions from 2 submitters: Uncertain significance (1); Likely benign (1). Last evaluated 2025-06-24.

Conditions:
Inborn genetic diseases. Identifiers: MedGen C0950123, MeSH D030342.

Allele frequency attached by ClinVar (database versions not stated): TOPMed 0.00002; ExAC 0.00001; gnomAD exomes 0.00001.
gnomAD v4.1: 22 of 1,596,756 alleles (0.0014%); highest among the groups gnomAD compares: Middle Eastern, 0.033%; no homozygotes.

Submissions (2):

Ambry Genetics
Classification: Likely benign for Inborn genetic diseases. Last evaluated: 2025-06-24. Review status: criteria provided, single submitter. Criteria: Ambry Variant Classification Scheme 2023. Collection method: clinical testing. Allele origin: germline.

Labcorp Genetics (formerly Invitae), Labcorp
Classification: Uncertain significance. Last evaluated: 2022-08-12. Review status: criteria provided, single submitter. Criteria: Invitae Variant Classification Sherloc (09022015). Collection method: clinical testing. Allele origin: germline.
Comment: In summary, the available evidence is currently insufficient to determine the role of this variant in disease. Therefore, it has been classified as a Variant of Uncertain Significance. Algorithms developed to predict the effect of missense changes on protein structure and function output the following: SIFT: "Tolerated"; PolyPhen-2: "Benign"; Align-GVGD: "Class C0". The arginine amino acid residue is found in multiple mammalian species, which suggests that this missense change does not adversely affect protein function. This sequence change replaces glutamine, which is neutral and polar, with arginine, which is basic and polar, at codon 13 of the FARSB protein (p.Gln13Arg). This variant is present in population databases (rs771751493, gnomAD 0.003%). This variant has not been reported in the literature in individuals affected with FARSB-related conditions.

NM_005687.5(FARSB):c.38A>G (p.Gln13Arg)

Gene: FARSB (phenylalanyl-tRNA synthetase subunit beta; minus strand). Cytogenetic location: 2q36.1.
Variant type: single nucleotide variant.
Coding change: c.38A>G on transcript NM_005687.5 (MANE Select); coding-DNA position 38, A replaced by G.
Protein change: p.Gln13Arg; replaces glutamine 13 with arginine.
Molecular consequence: missense variant. On other transcripts: non-coding transcript variant (1).
Genome position (GRCh38, 1-based): chr2:222,656,036, T>C on the plus strand (A>G on the coding strand, the complement: FARSB is on the minus strand). VCF-style: chr2-222656036-T-C. GRCh37 (hg19) VCF-style: chr2-223520755-T-C.
Other names: c.38A>G (NM_005687.3); short protein forms Q13R.
Identifiers: ClinVar variation 2065667 (VCV002065667.5), dbSNP rs771751493, ClinGen allele CA2136788.